The following is an entry in ClinVar:

ClinVar aggregate classification (germline): Uncertain significance (1 of 4 stars; one submission).

Submission:

Labcorp Genetics (formerly Invitae), Labcorp
Classification: Uncertain significance. Last evaluated: 2024-08-12. Review status: criteria provided, single submitter. Criteria: Invitae Variant Classification Sherloc (09022015). Collection method: clinical testing. Allele origin: germline.
Comment: This variant, c.1286_1288del, results in the deletion of 1 amino acid(s) of the ESCO2 protein (p.Val429del), but otherwise preserves the integrity of the reading frame. This variant is not present in population databases (gnomAD no frequency). This variant has not been reported in the literature in individuals affected with ESCO2-related conditions. Experimental studies and prediction algorithms are not available or were not evaluated, and the functional significance of this variant is currently unknown. In summary, the available evidence is currently insufficient to determine the role of this variant in disease. Therefore, it has been classified as a Variant of Uncertain Significance.

NM_001017420.3(ESCO2):c.1283TAG[1] (p.Val429del)

Gene: ESCO2 (establishment of sister chromatid cohesion N-acetyltransferase 2; plus strand). Cytogenetic location: 8p21.1.
Variant type: Microsatellite.
Coding change: c.1283TAG[1] on transcript NM_001017420.3 (MANE Select); one copy of the 3-base unit TAG starting at c.1283; the reference has two copies in a row; one copy, 3 bases deleted.
Protein change: p.Val429del; deletes valine 429.
Molecular consequence: inframe deletion.
Genome position (GRCh38, 1-based): chr8:27,791,985-27,791,987, TAG deleted; deleting any 3 consecutive bases within chr8:27,791,981-27,791,987 gives the same sequence; the position shown is the placement nearest the transcript's 3' end. VCF-style (leftmost placement, unchanged base first): chr8-27791980-TGTA-T. GRCh37 (hg19) VCF-style: chr8-27649497-TGTA-T.
Other names: short protein forms V429del.
Identifiers: ClinVar variation 2121499 (VCV002121499.4), dbSNP rs2486663651, ClinGen allele CA2580614318.
Genomic context (GRCh38, chr8:27,791,980, plus strand): 5'-TCTTCACAAATTAAACTGTGACCCTTTTGTTTTCCTTTGGCAGGGTTGGAAGAAAGAACG[TGTA>T]GTAGCAGAGTTTTGGGATGGGAAAATCGTGTTGGTTCTGCCACATGATCCAAGCTTTGCT-3'